The following is an entry in ClinVar:

NM_080732.4(EGLN2):c.421A>G (p.Asn141Asp)

Genes: EGLN2 (egl-9 family hypoxia inducible factor 2; plus strand), RAB4B-EGLN2 (RAB4B-EGLN2 readthrough (NMD candidate); plus strand). Cytogenetic location: 19q13.2.
Variant type: single nucleotide variant.
Coding change: c.421A>G on transcript NM_080732.4 (MANE Select); coding-DNA position 421, A replaced by G.
Protein change: p.Asn141Asp; replaces asparagine 141 with aspartic acid.
Molecular consequence: missense variant. On other transcripts: non-coding transcript variant (1).
Genome position (GRCh38, 1-based): chr19:40,800,993, A>G. VCF-style: chr19-40800993-A-G. GRCh37 (hg19) VCF-style: chr19-41306898-A-G.
Other names: c.421A>G, p.Asn141Asp (NM_053046.4); short protein forms N141D.
Identifiers: ClinVar variation 2497294 (VCV002497294.2), dbSNP rs1226791812, ClinGen allele CA405955217.
Genomic context (GRCh38, chr19:40,800,993, plus strand): 5'-TGGGCCGAGGATGGTGGGGATGCCCCTTCACCCAGCAAACGGCCCTGGGCCAGGCAAGAG[A>G]ACCAGGAGGCAGAGCGGGAGGGTGGCATGAGCTGCAGCTGCAGCAGTGGCAGTGGTGAGG-3'
Protein context (NP_542770.2, residues 131-151): PSKRPWARQE[Asn141Asp]QEAEREGGMS

ClinVar aggregate classification (germline): Uncertain significance (1 of 4 stars; one submission).

Allele frequency attached by ClinVar (database versions not stated): gnomAD exomes below 0.00001; TOPMed 0.00001.
gnomAD v4.1: 1 of 1,612,850 alleles (0.000062%); highest among the groups gnomAD compares: Non-Finnish European, 0.000085%; no homozygotes.

Submission:

Ambry Genetics
Classification: Uncertain significance. Last evaluated: 2023-03-05. Review status: criteria provided, single submitter. Criteria: Ambry Variant Classification Scheme 2023. Collection method: clinical testing. Allele origin: germline.
Comment: The p.N141D variant (also known as c.421A>G), located in coding exon 1 of the EGLN2 gene, results from an A to G substitution at nucleotide position 421. The asparagine at codon 141 is replaced by aspartic acid, an amino acid with highly similar properties. This amino acid position is conserved. In addition, this alteration is predicted to be tolerated by in silico analysis. Since supporting evidence is limited at this time, the clinical significance of this alteration remains unclear.